The following is an entry in ClinVar:

NM_198578.4(LRRK2):c.1568A>T (p.Asp523Val)

Gene: LRRK2 (leucine rich repeat kinase 2; plus strand). Cytogenetic location: 12q12.
Variant type: single nucleotide variant.
Coding change: c.1568A>T on transcript NM_198578.4 (MANE Select); coding-DNA position 1568, A replaced by T.
Protein change: p.Asp523Val; replaces aspartic acid 523 with valine.
Molecular consequence: missense variant.
Genome position (GRCh38, 1-based): chr12:40,263,813, A>T. VCF-style: chr12-40263813-A-T. GRCh37 (hg19) VCF-style: chr12-40657615-A-T.
Other names: short protein forms D523V.
Identifiers: ClinVar variation 3016383 (VCV003016383.3), dbSNP rs2499571956, ClinGen allele CA384398797.

ClinVar aggregate classification (germline): Uncertain significance (1 of 4 stars; one submission).

Conditions:
Autosomal dominant Parkinson disease 8. Also called: LRRK2-Related Parkinson Disease; Parkinson disease 8; Parkinson disease 8, susceptibility to. Identifiers: Orphanet 411602, MedGen C1846862, MONDO:0011764, OMIM 607060.

Allele frequency attached by ClinVar (database versions not stated): gnomAD exomes below 0.00001.
gnomAD v4.1: 1 of 1,612,938 alleles (0.000062%); highest among the groups gnomAD compares: South Asian, 0.0011%; no homozygotes.

Submission:

Labcorp Genetics (formerly Invitae), Labcorp
Classification: Uncertain significance for Autosomal dominant Parkinson disease 8. Last evaluated: 2023-04-28. Review status: criteria provided, single submitter. Criteria: Invitae Variant Classification Sherloc (09022015). Collection method: clinical testing. Allele origin: germline.
Comment: This variant has not been reported in the literature in individuals affected with LRRK2-related conditions. This variant is not present in population databases (gnomAD no frequency). This sequence change replaces aspartic acid, which is acidic and polar, with valine, which is neutral and non-polar, at codon 523 of the LRRK2 protein (p.Asp523Val). Advanced modeling of protein sequence and biophysical properties (such as structural, functional, and spatial information, amino acid conservation, physicochemical variation, residue mobility, and thermodynamic stability) has been performed at Invitae for this missense variant, however the output from this modeling did not meet the statistical confidence thresholds required to predict the impact of this variant on LRRK2 protein function. In summary, the available evidence is currently insufficient to determine the role of this variant in disease. Therefore, it has been classified as a Variant of Uncertain Significance.